The following is an entry in ClinVar:

NM_032108.4(SEMA6B):c.1206C>G (p.His402Gln)

Gene: SEMA6B (semaphorin 6B; minus strand). Cytogenetic location: 19p13.3.
Variant type: single nucleotide variant.
Coding change: c.1206C>G on transcript NM_032108.4 (MANE Select); coding-DNA position 1206, C replaced by G.
Protein change: p.His402Gln; replaces histidine 402 with glutamine.
Molecular consequence: missense variant.
Genome position (GRCh38, 1-based): chr19:4,550,188, G>C on the plus strand (C>G on the coding strand, the complement: SEMA6B is on the minus strand). VCF-style: chr19-4550188-G-C. GRCh37 (hg19) VCF-style: chr19-4550200-G-C.
Other names: short protein forms H402Q.
Identifiers: ClinVar variation 3376067 (VCV003376067.1).

ClinVar aggregate classification (germline): Uncertain significance (1 of 4 stars; one submission).

Submission:

GeneDx
Classification: Uncertain significance. Last evaluated: 2024-05-02. Review status: criteria provided, single submitter. Criteria: GeneDx Variant Classification Process June 2021. Collection method: clinical testing. Allele origin: germline. Affected: yes.
Comment: Not observed at significant frequency in large population cohorts (gnomAD); In silico analysis supports that this missense variant has a deleterious effect on protein structure/function; Has not been previously published as pathogenic or benign to our knowledge